The following is an entry in ClinVar:

NM_001903.5(CTNNA1):c.418A>G (p.Ile140Val)

Gene: CTNNA1 (catenin alpha 1; plus strand). Cytogenetic location: 5q31.2.
Variant type: single nucleotide variant.
Coding change: c.418A>G on transcript NM_001903.5 (MANE Select); coding-DNA position 418, A replaced by G.
Protein change: p.Ile140Val; replaces isoleucine 140 with valine.
Molecular consequence: missense variant.
Genome position (GRCh38, 1-based): chr5:138,810,154, A>G. VCF-style: chr5-138810154-A-G. GRCh37 (hg19) VCF-style: chr5-138145843-A-G.
Other names: c.418A>G, p.Ile140Val (NM_001323985.2, NM_001323986.2, NM_001323984.2 and 3 more transcripts); c.109A>G, p.Ile37Val (NM_001290309.3); c.49A>G, p.Ile17Val (NM_001290310.3); short protein forms I37V, I140V, I17V.
Identifiers: ClinVar variation 2859348 (VCV002859348.3), dbSNP rs2532330880, ClinGen allele CA361123369.

ClinVar aggregate classification (germline): Uncertain significance (1 of 4 stars; one submission).

Allele frequency attached by ClinVar (database versions not stated): gnomAD exomes below 0.00001.
gnomAD v4.1: 1 of 1,614,150 alleles (0.000062%); highest among the groups gnomAD compares: Non-Finnish European, 0.000085%; no homozygotes.

Submission:

Labcorp Genetics (formerly Invitae), Labcorp
Classification: Uncertain significance. Last evaluated: 2023-09-19. Review status: criteria provided, single submitter. Criteria: Invitae Variant Classification Sherloc (09022015). Collection method: clinical testing. Allele origin: germline.
Comment: In summary, the available evidence is currently insufficient to determine the role of this variant in disease. Therefore, it has been classified as a Variant of Uncertain Significance. This sequence change replaces isoleucine, which is neutral and non-polar, with valine, which is neutral and non-polar, at codon 140 of the CTNNA1 protein (p.Ile140Val). This variant is not present in population databases (gnomAD no frequency). This variant has not been reported in the literature in individuals affected with CTNNA1-related conditions. Advanced modeling of protein sequence and biophysical properties (such as structural, functional, and spatial information, amino acid conservation, physicochemical variation, residue mobility, and thermodynamic stability) performed at Invitae indicates that this missense variant is not expected to disrupt CTNNA1 protein function.